The following is an entry in ClinVar:

ClinVar aggregate classification (germline): Uncertain significance (1 of 4 stars; one submission).

Conditions:
Hereditary breast ovarian cancer syndrome. Also called: BRCA1- and BRCA2-Associated Hereditary Breast and Ovarian Cancer; Breast and ovarian cancer; Hereditary breast and/or ovarian cancer syndrome; Hereditary breast and ovarian cancer; Hereditary breast and ovarian cancer syndrome (HBOC); Hereditary breast and ovarian cancer syndrome. Identifiers: Orphanet 145, MedGen C0677776, MeSH D061325, MONDO:0003582. Disease mechanism: loss of function.

Submission:

Labcorp Genetics (formerly Invitae), Labcorp
Classification: Uncertain significance for Hereditary breast ovarian cancer syndrome. Last evaluated: 2023-07-26. Review status: criteria provided, single submitter. Criteria: Invitae Variant Classification Sherloc (09022015). Collection method: clinical testing. Allele origin: germline.
Comment: This sequence change replaces leucine, which is neutral and non-polar, with valine, which is neutral and non-polar, at codon 1240 of the BRCA2 protein (p.Leu1240Val). This variant is not present in population databases (gnomAD no frequency). This variant has not been reported in the literature in individuals affected with BRCA2-related conditions. Advanced modeling of protein sequence and biophysical properties (such as structural, functional, and spatial information, amino acid conservation, physicochemical variation, residue mobility, and thermodynamic stability) performed at Invitae indicates that this missense variant is not expected to disrupt BRCA2 protein function. In summary, the available evidence is currently insufficient to determine the role of this variant in disease. Therefore, it has been classified as a Variant of Uncertain Significance.

NM_000059.4(BRCA2):c.3718C>G (p.Leu1240Val)

Gene: BRCA2 (BRCA2 DNA repair associated; plus strand). Cytogenetic location: 13q13.1.
Variant type: single nucleotide variant.
Coding change: c.3718C>G on transcript NM_000059.4 (MANE Select); coding-DNA position 3718, C replaced by G.
Protein change: p.Leu1240Val; replaces leucine 1240 with valine.
Molecular consequence: missense variant. On other transcripts: non-coding transcript variant (1), intron variant (2).
Genome position (GRCh38, 1-based): chr13:32,338,073, C>G. VCF-style: chr13-32338073-C-G. GRCh37 (hg19) VCF-style: chr13-32912210-C-G.
Other names: c.3718C>G, p.Leu1240Val (NM_001406719.1, NM_001406720.1); c.1909+4686C>G (NM_001406721.1); c.425-6485C>G (NM_001406722.1); short protein forms L1240V.
Identifiers: ClinVar variation 2747304 (VCV002747304.3), dbSNP rs2137499307, ClinGen allele CA387778081.